The following is an entry in ClinVar:

NM_199420.4(POLQ):c.6166T>C (p.Ser2056Pro)

Gene: POLQ (DNA polymerase theta; minus strand). Cytogenetic location: 3q13.33.
Variant type: single nucleotide variant.
Coding change: c.6166T>C on transcript NM_199420.4 (MANE Select); coding-DNA position 6166, T replaced by C.
Protein change: p.Ser2056Pro; replaces serine 2056 with proline.
Molecular consequence: missense variant.
Genome position (GRCh38, 1-based): chr3:121,481,617, A>G on the plus strand (T>C on the coding strand, the complement: POLQ is on the minus strand). VCF-style: chr3-121481617-A-G. GRCh37 (hg19) VCF-style: chr3-121200464-A-G.
Other names: short protein forms S2056P.
Identifiers: ClinVar variation 2625873 (VCV002625873.2), dbSNP rs2546780282, ClinGen allele CA354087688.

ClinVar aggregate classification (germline): Uncertain significance (1 of 4 stars; one submission).

Submission:

Ambry Genetics
Classification: Uncertain significance. Last evaluated: 2023-09-01. Review status: criteria provided, single submitter. Criteria: Ambry Variant Classification Scheme 2023. Collection method: clinical testing. Allele origin: germline.
Comment: The p.S2056P variant (also known as c.6166T>C), located in coding exon 19 of the POLQ gene, results from a T to C substitution at nucleotide position 6166. The serine at codon 2056 is replaced by proline, an amino acid with similar properties. This amino acid position is conserved. In addition, this alteration is predicted to be tolerated by in silico analysis. Since supporting evidence is limited at this time, the clinical significance of this alteration remains unclear.